The following is an entry in ClinVar:

ClinVar aggregate classification (germline): Uncertain significance (0 of 4 stars; one submission).

Conditions:
COL4A3-related disorder. Also called: COL4A3-related condition; COL4A3-Related Disorders.

Submission:

PreventionGenetics, part of Exact Sciences
Classification: Uncertain significance for COL4A3-related condition. Last evaluated: 2024-07-29. Review status: no assertion criteria provided. Collection method: clinical testing. Allele origin: germline.
Comment: The COL4A3 c.1027C>A variant is predicted to result in the amino acid substitution p.Pro343Thr. To our knowledge, this variant has not been reported in the literature or in a large population database, indicating this variant is rare. At this time, the clinical significance of this variant is uncertain due to the absence of conclusive functional and genetic evidence.

NM_000091.5(COL4A3):c.1027C>A (p.Pro343Thr)

Genes: MFF-DT (MFF divergent transcript; minus strand), COL4A3 (collagen type IV alpha 3 chain; plus strand). Cytogenetic location: 2q36.3.
Variant type: single nucleotide variant.
Coding change: c.1027C>A on transcript NM_000091.5 (MANE Select); coding-DNA position 1027, C replaced by A.
Protein change: p.Pro343Thr; replaces proline 343 with threonine.
Molecular consequence: missense variant.
Genome position (GRCh38, 1-based): chr2:227,257,642, C>A. VCF-style: chr2-227257642-C-A. GRCh37 (hg19) VCF-style: chr2-228122358-C-A.
Other names: short protein forms P343T.
Identifiers: ClinVar variation 3346673 (VCV003346673.1).